The following is an entry in ClinVar:

ClinVar aggregate classification (germline): Benign/Likely benign. Review status: criteria provided, multiple submitters, no conflicts (2 of 4 stars). 5 submissions from 5 submitters: Benign (1); Likely benign (4). Last evaluated 2026-02-01.

Allele frequency attached by ClinVar (database versions not stated): gnomAD exomes 0.00105 and 0.00152; ESP Exome Variant Server 0.00138; 1000 Genomes Project 0.00140; 1000 Genomes Project 30x 0.00141; ExAC 0.00149; gnomAD 0.00150 and 0.00152; TOPMed 0.00161.
gnomAD v4.1: 1,854 of 1,614,202 alleles (0.11%); highest among the groups gnomAD compares: Middle Eastern, 0.78%; 5 homozygotes.

Submissions (5):

CeGaT Center for Human Genetics Tuebingen
Classification: Likely benign. Last evaluated: 2026-02-01. Review status: criteria provided, single submitter. Criteria: CeGaT Center For Human Genetics Tuebingen Variant Classification Criteria Version 2. Collection method: clinical testing. Allele origin: germline. Affected: yes. Observed: 16 variant alleles.
Comment: CDK5RAP2: BP4, BP7

Labcorp Genetics (formerly Invitae), Labcorp
Classification: Benign. Last evaluated: 2026-01-21. Review status: criteria provided, single submitter. Criteria: Invitae Variant Classification Sherloc (09022015). Collection method: clinical testing. Allele origin: germline.

Blueprint Genetics
Classification: Likely benign. Last evaluated: 2024-11-25. Review status: criteria provided, single submitter. Criteria: ACMG Guidelines, 2015. Collection method: clinical testing. Allele origin: germline.

GeneDx
Classification: Likely benign. Last evaluated: 2021-01-14. Review status: criteria provided, single submitter. Criteria: GeneDx Variant Classification Process June 2021. Collection method: clinical testing. Allele origin: germline. Affected: yes.

Genetic Services Laboratory, University of Chicago
Classification: Likely benign. Last evaluated: 2016-02-24. Review status: criteria provided, single submitter. Criteria: ACMG Guidelines, 2015. Collection method: clinical testing. Allele origin: germline. Affected: no.

NM_018249.6(CDK5RAP2):c.2568G>A (p.Gln856=)

Gene: CDK5RAP2 (CDK5 regulatory subunit associated protein 2; minus strand). Cytogenetic location: 9q33.2.
Variant type: single nucleotide variant.
Coding change: c.2568G>A on transcript NM_018249.6 (MANE Select); coding-DNA position 2568, G replaced by A.
Protein change: p.Gln856=; no amino-acid change (glutamine 856 retained).
Molecular consequence: synonymous variant. On other transcripts: non-coding transcript variant (5), intron variant (1).
Genome position (GRCh38, 1-based): chr9:120,453,681, C>T on the plus strand (G>A on the coding strand, the complement: CDK5RAP2 is on the minus strand). VCF-style: chr9-120453681-C-T. GRCh37 (hg19) VCF-style: chr9-123215959-C-T.
Other names: c.2568G>A, p.Gln856= (NM_001011649.3); c.2104-5555G>A (NM_001272039.2).
Identifiers: ClinVar variation 364765 (VCV000364765.57), dbSNP rs144723485, ClinGen allele CA5214041.